The following is an entry in ClinVar:

ClinVar aggregate classification (germline): Uncertain significance. Review status: criteria provided, multiple submitters, no conflicts (2 of 4 stars). 2 submissions from 2 submitters: Uncertain significance (2). Last evaluated 2025-12-22.

Allele frequency attached by ClinVar (database versions not stated): ExAC 0.00005; gnomAD 0.00005; gnomAD exomes 0.00005; TOPMed 0.00005; ESP Exome Variant Server 0.00008; 1000 Genomes Project 30x 0.00016; 1000 Genomes Project 0.00020.
gnomAD v4.1: 101 of 1,595,464 alleles (0.0063%); highest among the groups gnomAD compares: South Asian, 0.018%; no homozygotes.

Submissions (2):

Labcorp Genetics (formerly Invitae), Labcorp
Classification: Uncertain significance. Last evaluated: 2025-12-22. Review status: criteria provided, single submitter. Criteria: Invitae Variant Classification Sherloc (09022015). Collection method: clinical testing. Allele origin: germline.
Comment: This sequence change replaces arginine, which is basic and polar, with glutamine, which is neutral and polar, at codon 1866 of the SORL1 protein (p.Arg1866Gln). This variant is present in population databases (rs137995625, gnomAD 0.02%). This variant has not been reported in the literature in individuals affected with SORL1-related conditions. ClinVar contains an entry for this variant (Variation ID: 1392957). An algorithm developed to predict the effect of missense changes on protein structure and function (PolyPhen-2) suggests that this variant is likely to be tolerated. In summary, the available evidence is currently insufficient to determine the role of this variant in disease. Therefore, it has been classified as a Variant of Uncertain Significance.

Ambry Genetics
Classification: Uncertain significance. Last evaluated: 2025-12-03. Review status: criteria provided, single submitter. Criteria: Ambry Variant Classification Scheme 2023. Collection method: clinical testing. Allele origin: germline.

NM_003105.6(SORL1):c.5597G>A (p.Arg1866Gln)

Gene: SORL1 (sortilin related receptor 1; plus strand). Cytogenetic location: 11q24.1.
Variant type: single nucleotide variant.
Coding change: c.5597G>A on transcript NM_003105.6 (MANE Select); coding-DNA position 5597, G replaced by A.
Protein change: p.Arg1866Gln; replaces arginine 1866 with glutamine.
Molecular consequence: missense variant.
Genome position (GRCh38, 1-based): chr11:121,615,048, G>A. VCF-style: chr11-121615048-G-A. GRCh37 (hg19) VCF-style: chr11-121485757-G-A.
Other names: c.5597G>A (NM_003105.5); short protein forms R1866Q.
Identifiers: ClinVar variation 1392957 (VCV001392957.8), dbSNP rs137995625, ClinGen allele CA6329994.